The following is an entry in ClinVar:

NM_001126108.2(SLC12A3):c.1190_1191del (p.Val397fs)

Gene: SLC12A3 (solute carrier family 12 member 3; plus strand). Cytogenetic location: 16q13.
Variant type: Deletion.
Coding change: c.1190_1191del on transcript NM_001126108.2 (MANE Select); coding-DNA positions 1190 to 1191, 2 bases deleted (TG; older notation c.1190_1191delTG).
Protein change: p.Val397fs; shifts the reading frame from valine 397.
Molecular consequence: frameshift variant.
Genome position (GRCh38, 1-based): chr16:56,879,082-56,879,083, TG deleted; deleting any 2 consecutive bases within chr16:56,879,081-56,879,083 gives the same sequence; the c. name uses the placement nearest the transcript's 3' end. VCF-style (leftmost placement, unchanged base first): chr16-56879080-CGT-C. GRCh37 (hg19) VCF-style: chr16-56912992-CGT-C.
Other names: c.1190_1191del, p.Val397fs (NM_000339.3); c.1187_1188del, p.Val396fs (NM_001126107.2, NM_001410896.1); short protein forms V396fs, V397fs.
Identifiers: ClinVar variation 4818184 (VCV004818184.1).

ClinVar aggregate classification (germline): Likely pathogenic (1 of 4 stars; one submission).

Conditions:
Familial hypokalemia-hypomagnesemia (GTLMNS). Also called: POTASSIUM AND MAGNESIUM DEPLETION; HYPOMAGNESEMIA-HYPOKALEMIA, PRIMARY RENOTUBULAR, WITH HYPOCALCIURIA; gitelman syndrome. Identifiers: Orphanet 358, MedGen C0268450, MONDO:0009904, OMIM 263800.

Submission:

Natera, Inc.
Classification: Likely pathogenic for Gitelman syndrome. Last evaluated: 2025-07-24. Review status: criteria provided, single submitter. Criteria: Natera Variant Classification Schema (03/2026). Collection method: clinical testing. Allele origin: germline.
Comment: The c.1190_1191del variant in SLC12A3 is a frameshift variant predicted to shift the reading frame beginning at codon 397 and leads to a stop codon 3 codons downstream. This variant is expected to result in nonsense mediated decay, truncation, or a dysfunctional protein product. This variant is rare in the general population with a frequency below the threshold expected for the associated phenotype(s). Given the available evidence, this variant is classified as Likely Pathogenic.